The following is an entry in ClinVar:

NM_000487.6(ARSA):c.370G>C (p.Gly124Arg)

Gene: ARSA (arylsulfatase A; minus strand). Cytogenetic location: 22q13.33.
Variant type: single nucleotide variant.
Coding change: c.370G>C on transcript NM_000487.6 (MANE Select); coding-DNA position 370, G replaced by C.
Protein change: p.Gly124Arg; replaces glycine 124 with arginine.
Molecular consequence: missense variant.
Genome position (GRCh38, 1-based): chr22:50,627,261, C>G on the plus strand (G>C on the coding strand, the complement: ARSA is on the minus strand). VCF-style: chr22-50627261-C-G. GRCh37 (hg19) VCF-style: chr22-51065689-C-G.
Other names: c.370G>C, p.Gly124Arg (NM_001085425.3, NM_001085426.3, NM_001085427.3); c.112G>C, p.Gly38Arg (NM_001085428.3, NM_001362782.2); short protein forms G124R, G38R.
Identifiers: ClinVar variation 4847263 (VCV004847263.1).

ClinVar aggregate classification (germline): Uncertain significance (1 of 4 stars; one submission).

Submission:

Women's Health and Genetics/Laboratory Corporation of America, LabCorp
Classification: Uncertain significance. Last evaluated: 2026-03-13. Review status: criteria provided, single submitter. Criteria: LabCorp Variant Classification Summary - May 2015. Collection method: clinical testing. Allele origin: germline.
Comment: Variant summary: ARSA c.370G>C (p.Gly124Arg) results in a non-conservative amino acid change in the encoded protein sequence. Algorithms developed to predict the effect of missense changes on protein structure and function all suggest that this variant is likely to be disruptive. The variant was absent in 216762 control chromosomes. The available data on variant occurrences in the general population are insufficient to allow any conclusion about variant significance. To our knowledge, no occurrence of c.370G>C in individuals affected with ARSA-related conditions and no experimental evidence demonstrating its impact on protein function have been reported. A different variant affecting the same codon has been classified as pathogenic by our lab (c.370G>A, p.Gly124Ser), supporting the critical relevance of codon 124 to ARSA protein function. No submitters have cited clinical-significance assessments for this variant to ClinVar. Based on the evidence outlined above, the variant was classified as uncertain significance.